The following is an entry in ClinVar:

ClinVar aggregate classification (germline): Uncertain significance. Review status: criteria provided, multiple submitters, no conflicts (2 of 4 stars). 2 submissions from 2 submitters: Uncertain significance (2). Last evaluated 2025-01-27.

Conditions:
Cardiovascular phenotype. Identifiers: MedGen CN230736.
Arrhythmogenic right ventricular dysplasia 12. Also called: ARRHYTHMOGENIC RIGHT VENTRICULAR DYSPLASIA, FAMILIAL, 12. Identifiers: MedGen C1969081, MONDO:0012684, OMIM 611528.
Naxos disease (NXD). Also called: KERATOSIS PALMOPLANTARIS WITH ARRHYTHMOGENIC CARDIOMYOPATHY; MAL DE NAXOS; PALMOPLANTAR KERATODERMA WITH ARRHYTHMOGENIC RIGHT VENTRICULAR CARDIOMYOPATHY AND WOOLLY HAIR; WOOLLY HAIR, PALMOPLANTAR KERATODERMA, AND CARDIAC ABNORMALITIES; CARDIOMYOPATHY, ARRHYTHMOGENIC RIGHT VENTRICULAR, WITH SKIN, HAIR, AND NAIL ABNORMALITIES. Identifiers: Orphanet 34217, MedGen C1832600, MONDO:0011017, OMIM 601214.

Allele frequency attached by ClinVar (database versions not stated): ExAC 0.00001.

Submissions (2):

Ambry Genetics
Classification: Uncertain significance for Cardiovascular phenotype. Last evaluated: 2025-01-27. Review status: criteria provided, single submitter. Criteria: Ambry Variant Classification Scheme 2023. Collection method: clinical testing. Allele origin: germline.

Labcorp Genetics (formerly Invitae), Labcorp
Classification: Uncertain significance for Arrhythmogenic right ventricular dysplasia 12; Naxos disease. Last evaluated: 2024-04-03. Review status: criteria provided, single submitter. Criteria: Invitae Variant Classification Sherloc (09022015). Collection method: clinical testing. Allele origin: germline.
Comment: This sequence change replaces isoleucine, which is neutral and non-polar, with valine, which is neutral and non-polar, at codon 318 of the JUP protein (p.Ile318Val). This variant is present in population databases (rs782616837, gnomAD 0.0009%). This variant has not been reported in the literature in individuals affected with JUP-related conditions. An algorithm developed to predict the effect of missense changes on protein structure and function (PolyPhen-2) suggests that this variant is likely to be disruptive. In summary, the available evidence is currently insufficient to determine the role of this variant in disease. Therefore, it has been classified as a Variant of Uncertain Significance.

NM_002230.4(JUP):c.952A>G (p.Ile318Val)

Gene: JUP (junction plakoglobin; minus strand). Cytogenetic location: 17q21.2.
Variant type: single nucleotide variant.
Coding change: c.952A>G on transcript NM_002230.4 (MANE Select); coding-DNA position 952, A replaced by G.
Protein change: p.Ile318Val; replaces isoleucine 318 with valine.
Molecular consequence: missense variant.
Genome position (GRCh38, 1-based): chr17:41,765,025, T>C on the plus strand (A>G on the coding strand, the complement: JUP is on the minus strand). VCF-style: chr17-41765025-T-C. GRCh37 (hg19) VCF-style: chr17-39921277-T-C.
Other names: c.952A>G, p.Ile318Val (NM_001352773.2, NM_001352774.2, NM_001352775.2 and 3 more transcripts); short protein forms I318V.
Identifiers: ClinVar variation 2923025 (VCV002923025.4), dbSNP rs782616837, ClinGen allele CA8565330.
Genomic context (GRCh38, chr17:41,765,025, plus strand): 5'-GCACCTTGAGCACACGACTGGTGGTCCAGAGCAGCTTTTCATAACTGTAGTTACGCATGA[T>C]CTGCACGAGGGCCTGGGGCCCACCATTGGCCAGGATGATCAGCTATGGGTAAAGAGGGAA-3'
Protein context (NP_002221.1, residues 308-328): ANGGPQALVQ[Ile318Val]MRNYSYEKLL